The following is an entry in ClinVar:

NM_021072.4(HCN1):c.463G>A (p.Gly155Arg)

Gene: HCN1 (hyperpolarization activated cyclic nucleotide gated potassium channel 1; minus strand). Cytogenetic location: 5p12.
Variant type: single nucleotide variant.
Coding change: c.463G>A on transcript NM_021072.4 (MANE Select); coding-DNA position 463, G replaced by A.
Protein change: p.Gly155Arg; replaces glycine 155 with arginine.
Molecular consequence: missense variant.
Genome position (GRCh38, 1-based): chr5:45,645,571, C>T on the plus strand (G>A on the coding strand, the complement: HCN1 is on the minus strand). VCF-style: chr5-45645571-C-T. GRCh37 (hg19) VCF-style: chr5-45645673-C-T.
Other names: short protein forms G155R.
Identifiers: ClinVar variation 3777421 (VCV003777421.2).

ClinVar aggregate classification (germline): Uncertain significance (1 of 4 stars; one submission).

Submission:

GeneDx
Classification: Uncertain significance. Last evaluated: 2026-06-23. Review status: criteria provided, single submitter. Criteria: GeneDx Variant Classification Process June 2021. Collection method: clinical testing. Allele origin: germline.
Comment: Not observed at significant frequency in large population cohorts (gnomAD); In silico analysis supports that this missense variant has a deleterious effect on protein structure/function; Has not been previously published as pathogenic or benign to our knowledge